The following is an entry in ClinVar:

ClinVar aggregate classification (germline): Likely benign. Review status: criteria provided, multiple submitters, no conflicts (2 of 4 stars). 3 submissions from 3 submitters: Likely benign (3). Last evaluated 2026-08-04.

Conditions:
KLC2-related disorder. Also called: KLC2-related condition.

Allele frequency attached by ClinVar (database versions not stated): ExAC 0.00006; gnomAD exomes 0.00007; ESP Exome Variant Server 0.00008; gnomAD 0.00011; TOPMed 0.00013.
gnomAD v4.1: 118 of 1,613,710 alleles (0.0073%); highest among the groups gnomAD compares: Admixed American, 0.025%; no homozygotes.

Submissions (3):

PreventionGenetics, part of Exact Sciences
Classification: Likely benign for KLC2-related condition. Last evaluated: 2026-08-04. Review status: criteria provided, single submitter. Criteria: ACMG Guidelines, 2015. Collection method: clinical testing. Allele origin: germline.
Comment: This variant is classified as likely benign based on ACMG/AMP sequence variant interpretation guidelines (Richards et al. 2015 PMID: 25741868, with internal and published modifications).

CeGaT Center for Human Genetics Tuebingen
Classification: Likely benign. Last evaluated: 2026-08-01. Review status: criteria provided, single submitter. Criteria: CeGaT Center For Human Genetics Tuebingen Variant Classification Criteria Version 2. Collection method: clinical testing. Allele origin: germline. Affected: yes. Observed: 5 variant alleles.
Comment: KLC2: BP4, BP7

Labcorp Genetics (formerly Invitae), Labcorp
Classification: Likely benign. Last evaluated: 2025-09-10. Review status: criteria provided, single submitter. Criteria: Invitae Variant Classification Sherloc (09022015). Collection method: clinical testing. Allele origin: germline.

NM_001318734.2(KLC2):c.1362C>T (p.Ser454=)

Genes: KLC2 (kinesin light chain 2; plus strand), KLC2-AS1 (KLC2 antisense RNA 1; minus strand). Cytogenetic location: 11q13.2.
Variant type: single nucleotide variant.
Coding change: c.1362C>T on transcript NM_001318734.2 (MANE Select); coding-DNA position 1362, C replaced by T.
Protein change: p.Ser454=; no amino-acid change (serine 454 retained).
Molecular consequence: synonymous variant.
Genome position (GRCh38, 1-based): chr11:66,265,682, C>T. VCF-style: chr11-66265682-C-T. GRCh37 (hg19) VCF-style: chr11-66033153-C-T.
Other names: c.1131C>T (NM_001134774.1); c.1131C>T, p.Ser377= (NM_001134774.2); c.1362C>T, p.Ser454= (NM_001134775.2, NM_001134776.2, NM_022822.3).
Identifiers: ClinVar variation 1662090 (VCV001662090.33), dbSNP rs140065701, ClinGen allele CA6117424.